The following is an entry in ClinVar:

NM_000093.5(COL5A1):c.3662C>T (p.Pro1221Leu)

Gene: COL5A1 (collagen type V alpha 1 chain; plus strand). Cytogenetic location: 9q34.3.
Variant type: single nucleotide variant.
Coding change: c.3662C>T on transcript NM_000093.5 (MANE Select); coding-DNA position 3662, C replaced by T.
Protein change: p.Pro1221Leu; replaces proline 1221 with leucine.
Molecular consequence: missense variant.
Genome position (GRCh38, 1-based): chr9:134,811,571, C>T. VCF-style: chr9-134811571-C-T. GRCh37 (hg19) VCF-style: chr9-137703417-C-T.
Other names: c.3662C>T, p.Pro1221Leu (NM_001278074.1); short protein forms P1221L.
Identifiers: ClinVar variation 2089769 (VCV002089769.4), dbSNP rs1042066242, ClinGen allele CA201087746.

ClinVar aggregate classification (germline): Uncertain significance (1 of 4 stars; one submission).

Conditions:
Ehlers-Danlos syndrome, classic type, 1 (EDSCL1). Also called: EHLERS-DANLOS SYNDROME, GRAVIS TYPE; EHLERS-DANLOS SYNDROME, SEVERE CLASSIC TYPE; Ehlers-Danlos syndrome, type 1; EDS I; Ehlers-Danlos Syndrome, Classic Type, COL5A1-Related. Identifiers: MedGen C0268335, MONDO:0019567, OMIM 130000.

Submission:

Labcorp Genetics (formerly Invitae), Labcorp
Classification: Uncertain significance for Ehlers-Danlos syndrome, classic type, 1. Last evaluated: 2022-01-26. Review status: criteria provided, single submitter. Criteria: Invitae Variant Classification Sherloc (09022015). Collection method: clinical testing. Allele origin: germline.
Comment: In summary, the available evidence is currently insufficient to determine the role of this variant in disease. Therefore, it has been classified as a Variant of Uncertain Significance. Advanced modeling of protein sequence and biophysical properties (such as structural, functional, and spatial information, amino acid conservation, physicochemical variation, residue mobility, and thermodynamic stability) performed at Invitae indicates that this missense variant is not expected to disrupt COL5A1 protein function. This variant has not been reported in the literature in individuals affected with COL5A1-related conditions. This variant is not present in population databases (gnomAD no frequency). This sequence change replaces proline, which is neutral and non-polar, with leucine, which is neutral and non-polar, at codon 1221 of the COL5A1 protein (p.Pro1221Leu).